The following is an entry in ClinVar:

ClinVar aggregate classification (germline): Uncertain significance (1 of 4 stars; one submission).

Allele frequency attached by ClinVar (database versions not stated): gnomAD exomes below 0.00001.
gnomAD v4.1: 2 of 1,611,382 alleles (0.00012%); highest among the groups gnomAD compares: Non-Finnish European, 0.00017%; no homozygotes.

Submission:

GeneDx
Classification: Uncertain significance. Last evaluated: 2021-03-02. Review status: criteria provided, single submitter. Criteria: GeneDx Variant Classification Process June 2021. Collection method: clinical testing. Allele origin: germline. Affected: yes.
Comment: Not observed in large population cohorts (Lek 2016); In silico analysis supports that this missense variant does not alter protein structure/function; Has not been previously published as pathogenic or benign to our knowledge

NM_020937.4(FANCM):c.4490T>C (p.Val1497Ala)

Gene: FANCM (FA complementation group M; plus strand). Cytogenetic location: 14q21.2.
Variant type: single nucleotide variant.
Coding change: c.4490T>C on transcript NM_020937.4 (MANE Select); coding-DNA position 4490, T replaced by C.
Protein change: p.Val1497Ala; replaces valine 1497 with alanine.
Molecular consequence: missense variant.
Genome position (GRCh38, 1-based): chr14:45,183,877, T>C. VCF-style: chr14-45183877-T-C. GRCh37 (hg19) VCF-style: chr14-45653080-T-C.
Other names: c.4412T>C, p.Val1471Ala (NM_001308133.2); short protein forms V1471A, V1497A.
Identifiers: ClinVar variation 1314184 (VCV001314184.2), dbSNP rs2139278427, ClinGen allele CA389607799.